The following is an entry in ClinVar:

NM_001366145.2(TRPM3):c.4994del (p.Ser1665fs)

Genes: KLF9-DT (KLF9 divergent transcript; plus strand), TRPM3 (transient receptor potential cation channel subfamily M member 3; minus strand). Cytogenetic location: 9q21.12.
Variant type: Deletion.
Coding change: c.4994del on transcript NM_001366145.2 (MANE Select); coding-DNA position 4994, one base deleted (G; older notation c.4994delG).
Protein change: p.Ser1665fs; shifts the reading frame from serine 1665.
Molecular consequence: frameshift variant. On other transcripts: intron variant (8).
Genome position (GRCh38, 1-based): chr9:70,536,119, C deleted on the plus strand (G on the coding strand, the reverse complement: TRPM3 is on the minus strand). VCF-style (leftmost placement, unchanged base first): chr9-70536118-GC-G. GRCh37 (hg19) VCF-style: chr9-73151034-GC-G.
Other names: c.4958del, p.Ser1653fs (NM_001007471.4); c.4964del, p.Ser1655fs (NM_001366141.2, NM_001366149.2); c.5069del, p.Ser1690fs (NM_001366147.2); c.4499del, p.Ser1500fs (NM_020952.6); c.4535del, p.Ser1512fs (NM_024971.7); c.4469del, p.Ser1490fs (NM_206944.5); c.4505del, p.Ser1502fs (NM_206945.5); c.4574del, p.Ser1525fs (NM_206946.5); and 9 more; short protein forms S1490fs, S1500fs, S1502fs, S1512fs, S1515fs, S1525fs, S1653fs, S1655fs.
Identifiers: ClinVar variation 4888063 (VCV004888063.1).

ClinVar aggregate classification (germline): Uncertain significance (1 of 4 stars; one submission).

Submission:

GeneDx
Classification: Uncertain significance. Last evaluated: 2026-02-13. Review status: criteria provided, single submitter. Criteria: GeneDx Variant Classification Process June 2021. Collection method: clinical testing. Allele origin: germline.
Comment: Not observed at significant frequency in large population cohorts (gnomAD); Has not been previously published as pathogenic or benign to our knowledge; Frameshift variant predicted to result in abnormal protein length as the last 55 amino acid(s) are replaced with 37 different amino acid(s)